The following is an entry in ClinVar:

ClinVar aggregate classification (germline): Benign. Review status: criteria provided, multiple submitters, no conflicts (2 of 4 stars). 3 submissions from 3 submitters: Benign (2). 1 of the submissions does not count toward it. Last evaluated 2018-03-06.

Conditions:
Age related macular degeneration 8. Identifiers: MedGen C3151070, MONDO:0013416, OMIM 613778.
ARMS2-related disorder. Also called: ARMS2-related condition.

Allele frequency attached by ClinVar (database versions not stated): 1000 Genomes Project 30x 0.11321; 1000 Genomes Project 0.11442; TOPMed 0.12478; ESP Exome Variant Server 0.12546; gnomAD 0.13199; gnomAD exomes 0.14673.

Submissions (11):

Illumina Laboratory Services, Illumina
Classification: Benign for Age related macular degeneration 8. Last evaluated: 2018-03-06. Review status: criteria provided, single submitter. Criteria: ICSL Variant Classification Criteria 13 December 2019. Collection method: clinical testing. Allele origin: germline.
Comment: This variant was observed in the ICSL laboratory as part of a predisposition screen in an ostensibly healthy population. It had not been previously curated by ICSL or reported in the Human Gene Mutation Database (HGMD: prior to June 1st, 2018), and was therefore a candidate for classification through an automated scoring system. Utilizing variant allele frequency, disease prevalence and penetrance estimates, and inheritance mode, an automated score was calculated to assess if this variant is too frequent to cause the disease. Based on the score and internal cut-off values, a variant classified as benign is not then subjected to further curation. The score for this variant resulted in a classification of benign for this disease.

Breakthrough Genomics
Classification: Benign. Review status: criteria provided, single submitter. Criteria: ACMG Guidelines, 2015. Collection method: not provided. Allele origin: germline. Inheritance: Unknown mechanism. Affected: yes.

PreventionGenetics, part of Exact Sciences
Classification: Likely benign for ARMS2-related condition. Last evaluated: 2019-11-04. Review status: no assertion criteria provided. Collection method: clinical testing. Allele origin: germline. Not counted in ClinVar's aggregate classification.
Comment: This variant is classified as likely benign based on ACMG/AMP sequence variant interpretation guidelines (Richards et al. 2015 PMID: 25741868, with internal and published modifications).

Dr. Peter K. Rogan Lab, Western University
No classification provided (evidence only). Condition: Cholangiocarcinoma. Review status: no classification provided. Collection method: in vitro. Allele origin: not applicable. Functional consequence: retained intron. Not counted in ClinVar's aggregate classification.

Dr. Peter K. Rogan Lab, Western University
No classification provided (evidence only). Condition: Cholangiocarcinoma. Review status: no classification provided. Collection method: in vitro. Allele origin: not applicable. Functional consequence: retained intron. Not counted in ClinVar's aggregate classification.

Dr. Peter K. Rogan Lab, Western University
No classification provided (evidence only). Condition: Adrenocortical carcinoma, hereditary. Review status: no classification provided. Collection method: in vitro. Allele origin: not applicable. Functional consequence: retained intron. Not counted in ClinVar's aggregate classification.

Dr. Peter K. Rogan Lab, Western University
No classification provided (evidence only). Condition: Adrenocortical carcinoma, hereditary. Review status: no classification provided. Collection method: in vitro. Allele origin: not applicable. Functional consequence: retained intron. Not counted in ClinVar's aggregate classification.

Dr. Peter K. Rogan Lab, Western University
No classification provided (evidence only). Condition: Uterine carcinosarcoma. Review status: no classification provided. Collection method: in vitro. Allele origin: not applicable. Functional consequence: retained intron. Not counted in ClinVar's aggregate classification.

Dr. Peter K. Rogan Lab, Western University
No classification provided (evidence only). Condition: Uterine carcinosarcoma. Review status: no classification provided. Collection method: in vitro. Allele origin: not applicable. Functional consequence: retained intron. Not counted in ClinVar's aggregate classification.

Dr. Peter K. Rogan Lab, Western University
No classification provided (evidence only). Condition: Uterine carcinosarcoma. Review status: no classification provided. Collection method: in vitro. Allele origin: not applicable. Functional consequence: retained intron. Not counted in ClinVar's aggregate classification.

Dr. Peter K. Rogan Lab, Western University
No classification provided (evidence only). Condition: Uterine carcinosarcoma. Review status: no classification provided. Collection method: in vitro. Allele origin: not applicable. Functional consequence: retained intron. Not counted in ClinVar's aggregate classification.

NM_001099667.3(ARMS2):c.112C>T (p.Arg38Ter)

Genes: ARMS2 (age-related maculopathy susceptibility 2; plus strand), HTRA1-AS1 (HTRA1 and ARMS2 antisense RNA 1; minus strand). Cytogenetic location: 10q26.13.
Variant type: single nucleotide variant.
Coding change: c.112C>T on transcript NM_001099667.3 (MANE Select); coding-DNA position 112, C replaced by T.
Protein change: p.Arg38Ter; replaces arginine 38 with a stop codon.
Molecular consequence: nonsense.
Genome position (GRCh38, 1-based): chr10:122,454,839, C>T. VCF-style: chr10-122454839-C-T. GRCh37 (hg19) VCF-style: chr10-124214355-C-T.
Other names: NC_000010.10:g.124214355C>T; short protein forms R38*.
Identifiers: ClinVar variation 299029 (VCV000299029.9), dbSNP rs2736911, ClinGen allele CA5725731.